The following is an entry in ClinVar:

ClinVar aggregate classification (germline): Uncertain significance. Review status: criteria provided, multiple submitters, no conflicts (2 of 4 stars). 2 submissions from 2 submitters: Uncertain significance (2). Last evaluated 2024-06-10.

Conditions:
Neuropathy, hereditary sensory and autonomic, type 2A (HSAN2A). Also called: ACROOSTEOLYSIS, GIACCAI TYPE; ACROOSTEOLYSIS, NEUROGENIC; MORVAN DISEASE; WNK1-Related HSAN2 (HSAN2A); HSAN IIA; NEUROPATHY, CONGENITAL SENSORY. Identifiers: Orphanet 970, MedGen C2752089, MONDO:0024309, OMIM 201300.
Pseudohypoaldosteronism type 2C (PHA2C). Also called: Pseudohypoaldosteronism Type IIC. Identifiers: Orphanet 757, Orphanet 88940, MedGen C1840391, MONDO:0013778, OMIM 614492.

gnomAD v4.1: 49 of 1,614,054 alleles (0.003%); highest among the groups gnomAD compares: East Asian, 0.027%; no homozygotes.

Submissions (2):

Fulgent Genetics
Classification: Uncertain significance for Neuropathy, hereditary sensory and autonomic, type 2A; Pseudohypoaldosteronism type 2C. Last evaluated: 2024-06-10. Review status: criteria provided, single submitter. Criteria: ACMG Guidelines, 2015. Collection method: clinical testing. Allele origin: germline.

Labcorp Genetics (formerly Invitae), Labcorp
Classification: Uncertain significance for Neuropathy, hereditary sensory and autonomic, type 2A; Pseudohypoaldosteronism type 2C. Last evaluated: 2024-03-12. Review status: criteria provided, single submitter. Criteria: Invitae Variant Classification Sherloc (09022015). Collection method: clinical testing. Allele origin: germline.
Comment: This sequence change replaces isoleucine, which is neutral and non-polar, with valine, which is neutral and non-polar, at codon 345 of the WNK1 protein (p.Ile345Val). This variant is present in population databases (rs754625654, gnomAD 0.03%). This variant has not been reported in the literature in individuals affected with WNK1-related conditions. Advanced modeling of protein sequence and biophysical properties (such as structural, functional, and spatial information, amino acid conservation, physicochemical variation, residue mobility, and thermodynamic stability) performed at Invitae indicates that this missense variant is not expected to disrupt WNK1 protein function with a negative predictive value of 95%. In summary, the available evidence is currently insufficient to determine the role of this variant in disease. Therefore, it has been classified as a Variant of Uncertain Significance.

NM_018979.4(WNK1):c.1033A>G (p.Ile345Val)

Gene: WNK1 (WNK lysine deficient protein kinase 1; plus strand). Cytogenetic location: 12p13.33.
Variant type: single nucleotide variant.
Coding change: c.1033A>G on transcript NM_018979.4 (MANE Select); coding-DNA position 1033, A replaced by G.
Protein change: p.Ile345Val; replaces isoleucine 345 with valine.
Molecular consequence: missense variant.
Genome position (GRCh38, 1-based): chr12:827,142, A>G. VCF-style: chr12-827142-A-G. GRCh37 (hg19) VCF-style: chr12-936308-A-G.
Other names: c.1033A>G, p.Ile345Val (NM_001184985.2, NM_014823.3, NM_213655.5); short protein forms I345V.
Identifiers: ClinVar variation 3575535 (VCV003575535.3).